The following is an entry in ClinVar:

NM_000090.4(COL3A1):c.959G>A (p.Arg320Gln)

Gene: COL3A1 (collagen type III alpha 1 chain; plus strand). Cytogenetic location: 2q32.2.
Variant type: single nucleotide variant.
Coding change: c.959G>A on transcript NM_000090.4 (MANE Select); coding-DNA position 959, G replaced by A.
Protein change: p.Arg320Gln; replaces arginine 320 with glutamine.
Molecular consequence: missense variant.
Genome position (GRCh38, 1-based): chr2:188,992,191, G>A. VCF-style: chr2-188992191-G-A. GRCh37 (hg19) VCF-style: chr2-189856917-G-A.
Other names: short protein forms R320Q.
Identifiers: ClinVar variation 1331835 (VCV001331835.10), dbSNP rs778179067, ClinGen allele CA077133.

ClinVar aggregate classification (germline): Conflicting classifications of pathogenicity. Review status: criteria provided, conflicting classifications (1 of 4 stars). 4 submissions from 4 submitters: Uncertain significance (3); Likely benign (1). Last evaluated 2026-07-28.

Conditions:
Ehlers-Danlos syndrome, type 4 (EDSVASC). Also called: Ehlers-Danlos syndrome vascular type; Ehlers Danlos syndrome, ecchymotic type; Ehlers Danlos syndrome, arterial type; Ehlers Danlos syndrome, Sack-Barabas type; Ehlers-Danlos Syndrome Type IV. Identifiers: Orphanet 286, MedGen C0268338, MONDO:0017314, OMIM 130050.
Familial thoracic aortic aneurysm and aortic dissection (TAAD). Also called: Thoracic aortic aneurysms and dissections. Identifiers: Orphanet 91387, MedGen C4707243, MONDO:0019625.

Allele frequency attached by ClinVar (database versions not stated): gnomAD exomes 0.00001; TOPMed 0.00001.
gnomAD v4.1: 22 of 1,613,858 alleles (0.0014%); highest among the groups gnomAD compares: South Asian, 0.0099%; no homozygotes.

Submissions (4):

Ambry Genetics
Classification: Likely benign for Familial thoracic aortic aneurysm and aortic dissection. Last evaluated: 2026-07-28. Review status: criteria provided, single submitter. Criteria: Ambry Variant Classification Scheme 2023. Collection method: clinical testing. Allele origin: germline.

Color Diagnostics, LLC DBA Color Health
Classification: Uncertain significance for Familial thoracic aortic aneurysm and aortic dissection. Last evaluated: 2024-03-06. Review status: criteria provided, single submitter. Criteria: ACMG Guidelines, 2015. Collection method: clinical testing. Allele origin: germline.
Comment: This missense variant replaces arginine with glutamine at codon 320 of the COL3A1 protein. Computational prediction is inconclusive regarding the impact of this variant on protein structure and function (internally defined REVEL score threshold 0.5 < inconclusive < 0.7, PMID: 27666373). To our knowledge, functional studies have not been reported for this variant. This variant has not been reported in individuals affected with cardiovascular disorders in the literature. This variant has been identified in 5/251410 chromosomes in the general population by the Genome Aggregation Database (gnomAD). The available evidence is insufficient to determine the role of this variant in disease conclusively. Therefore, this variant is classified as a Variant of Uncertain Significance.

Labcorp Genetics (formerly Invitae), Labcorp
Classification: Uncertain significance for Ehlers-Danlos syndrome, type 4. Last evaluated: 2024-03-01. Review status: criteria provided, single submitter. Criteria: Invitae Variant Classification Sherloc (09022015). Collection method: clinical testing. Allele origin: germline.
Comment: This sequence change replaces arginine, which is basic and polar, with glutamine, which is neutral and polar, at codon 320 of the COL3A1 protein (p.Arg320Gln). This variant is present in population databases (rs778179067, gnomAD 0.01%). This variant has not been reported in the literature in individuals affected with COL3A1-related conditions. ClinVar contains an entry for this variant (Variation ID: 1331835). Advanced modeling of protein sequence and biophysical properties (such as structural, functional, and spatial information, amino acid conservation, physicochemical variation, residue mobility, and thermodynamic stability) performed at Invitae indicates that this missense variant is not expected to disrupt COL3A1 protein function with a negative predictive value of 95%. In summary, the available evidence is currently insufficient to determine the role of this variant in disease. Therefore, it has been classified as a Variant of Uncertain Significance.

All of Us Research Program, National Institutes of Health
Classification: Uncertain significance for Ehlers-Danlos syndrome, type 4. Last evaluated: 2023-04-27. Review status: criteria provided, single submitter. Criteria: ACMG Guidelines, 2015. Collection method: clinical testing. Allele origin: germline. Inheritance: Autosomal dominant inheritance. Observed: 1 variant allele, 1 heterozygote.
Comment: This missense variant replaces arginine with glutamine at codon 320 of the COL3A1 protein. Computational prediction is inconclusive regarding the impact of this variant on protein structure and function (internally defined REVEL score threshold 0.5 < inconclusive < 0.7, PMID: 27666373). To our knowledge, functional studies have not been reported for this variant. This variant has not been reported in individuals affected with cardiovascular disorders in the literature. This variant has been identified in 5/251410 chromosomes in the general population by the Genome Aggregation Database (gnomAD). The available evidence is insufficient to determine the role of this variant in disease conclusively. Therefore, this variant is classified as a Variant of Uncertain Significance.

This study involves interpretation of variants in research participants for the purpose of population health screening. Participant phenotype was not available at the time of variant classification. Additional details can be found in publication PMID: 35346344, PMCID: PMC8962531